The following is an entry in ClinVar:

NM_199420.4(POLQ):c.4426C>T (p.Leu1476Phe)

Gene: POLQ (DNA polymerase theta; minus strand). Cytogenetic location: 3q13.33.
Variant type: single nucleotide variant.
Coding change: c.4426C>T on transcript NM_199420.4 (MANE Select); coding-DNA position 4426, C replaced by T.
Protein change: p.Leu1476Phe; replaces leucine 1476 with phenylalanine.
Molecular consequence: missense variant.
Genome position (GRCh38, 1-based): chr3:121,488,505, G>A on the plus strand (C>T on the coding strand, the complement: POLQ is on the minus strand). VCF-style: chr3-121488505-G-A. GRCh37 (hg19) VCF-style: chr3-121207352-G-A.
Other names: short protein forms L1476F.
Identifiers: ClinVar variation 1740513 (VCV001740513.2), dbSNP rs376730227, ClinGen allele CA81835709.

ClinVar aggregate classification (germline): Uncertain significance (1 of 4 stars; one submission).

gnomAD v4.1: 1 of 1,609,134 alleles (0.000062%); no homozygotes.

Submission:

Ambry Genetics
Classification: Uncertain significance. Last evaluated: 2022-05-17. Review status: criteria provided, single submitter. Criteria: Ambry Variant Classification Scheme 2023. Collection method: clinical testing. Allele origin: germline.
Comment: The p.L1476F variant (also known as c.4426C>T), located in coding exon 16 of the POLQ gene, results from a C to T substitution at nucleotide position 4426. The leucine at codon 1476 is replaced by phenylalanine, an amino acid with highly similar properties. This amino acid position is conserved. In addition, this alteration is predicted to be tolerated by in silico analysis. Since supporting evidence is limited at this time, the clinical significance of this alteration remains unclear.